The following is an entry in ClinVar:

ClinVar aggregate classification (germline): Uncertain significance (1 of 4 stars; one submission).

Submission:

Labcorp Genetics (formerly Invitae), Labcorp
Classification: Uncertain significance. Last evaluated: 2019-11-08. Review status: criteria provided, single submitter. Criteria: Invitae Variant Classification Sherloc (09022015). Collection method: clinical testing. Allele origin: germline.
Comment: In summary, the available evidence is currently insufficient to determine the role of this variant in disease. Therefore, it has been classified as a Variant of Uncertain Significance. Algorithms developed to predict the effect of missense changes on protein structure and function are either unavailable or do not agree on the potential impact of this missense change (SIFT: "Deleterious"; PolyPhen-2: "Probably Damaging"; Align-GVGD: "Class C15"). This variant has not been reported in the literature in individuals with CABP4-related conditions. This variant is not present in population databases (ExAC no frequency). This sequence change replaces aspartic acid with valine at codon 144 of the CABP4 protein (p.Asp144Val). The aspartic acid residue is highly conserved and there is a large physicochemical difference between aspartic acid and valine.

NM_145200.5(CABP4):c.431A>T (p.Asp144Val)

Gene: CABP4 (calcium binding protein 4; plus strand). Cytogenetic location: 11q13.2.
Variant type: single nucleotide variant.
Coding change: c.431A>T on transcript NM_145200.5 (MANE Select); coding-DNA position 431, A replaced by T.
Protein change: p.Asp144Val; replaces aspartic acid 144 with valine.
Molecular consequence: missense variant.
Genome position (GRCh38, 1-based): chr11:67,456,332, A>T. VCF-style: chr11-67456332-A-T. GRCh37 (hg19) VCF-style: chr11-67223803-A-T.
Other names: c.116A>T, p.Asp39Val (NM_001300895.3, NM_001300896.3, NM_001379183.1); short protein forms D144V, D39V.
Identifiers: ClinVar variation 972208 (VCV000972208.9), dbSNP rs1864792998, ClinGen allele CA381529990.